The following is an entry in ClinVar:

ClinVar aggregate classification (germline): Benign/Likely benign. Review status: criteria provided, multiple submitters, no conflicts (2 of 4 stars). 3 submissions from 3 submitters: Benign (1); Likely benign (2). Last evaluated 2024-03-21.

Conditions:
Hereditary cancer-predisposing syndrome. Also called: Tumor predisposition; Hereditary Cancer Syndrome; Hereditary neoplastic syndrome; Neoplastic Syndromes, Hereditary. Identifiers: Orphanet 140162, MedGen C0027672, MeSH D009386, MONDO:0015356.
Familial adenomatous polyposis 1 (FAP1). Also called: POLYPOSIS, ADENOMATOUS INTESTINAL; FAMILIAL ADENOMATOUS POLYPOSIS 1, ATTENUATED. Identifiers: MedGen C2713442, MONDO:0021056, OMIM 175100. Disease mechanism: loss of function.

Allele frequency attached by ClinVar (database versions not stated): TOPMed below 0.00001.

Submissions (3):

Myriad Genetics, Inc.
Classification: Benign for Familial adenomatous polyposis 1. Last evaluated: 2024-03-21. Review status: criteria provided, single submitter. Criteria: Myriad Autosomal Dominant, Autosomal Recessive and X-Linked Classification Criteria (2023). Collection method: clinical testing. Allele origin: unknown.
Comment: This variant is considered benign. This variant is a silent/synonymous amino acid change and it is not expected to impact splicing.

Labcorp Genetics (formerly Invitae), Labcorp
Classification: Likely benign for Familial adenomatous polyposis 1. Last evaluated: 2022-09-24. Review status: criteria provided, single submitter. Criteria: Invitae Variant Classification Sherloc (09022015). Collection method: clinical testing. Allele origin: germline.

Ambry Genetics
Classification: Likely benign for Hereditary cancer-predisposing syndrome. Last evaluated: 2020-01-21. Review status: criteria provided, single submitter. Criteria: Ambry Variant Classification Scheme 2023. Collection method: clinical testing. Allele origin: germline.

NM_000038.6(APC):c.3657C>G (p.Ser1219=)

Gene: APC (APC regulator of Wnt signaling pathway; plus strand). Cytogenetic location: 5q22.2.
Variant type: single nucleotide variant.
Coding change: c.3657C>G on transcript NM_000038.6 (MANE Select); coding-DNA position 3657, C replaced by G.
Protein change: p.Ser1219=; no amino-acid change (serine 1219 retained).
Molecular consequence: synonymous variant.
Genome position (GRCh38, 1-based): chr5:112,839,251, C>G. VCF-style: chr5-112839251-C-G. GRCh37 (hg19) VCF-style: chr5-112174948-C-G.
Other names: c.3657C>G, p.Ser1219= (NM_001127510.3, NM_001354895.2); c.3603C>G, p.Ser1201= (NM_001127511.3); c.3711C>G, p.Ser1237= (NM_001354896.2); c.3687C>G, p.Ser1229= (NM_001354897.2); c.3582C>G, p.Ser1194= (NM_001354898.2); c.3573C>G, p.Ser1191= (NM_001354899.2); c.3534C>G, p.Ser1178= (NM_001354900.2); c.3480C>G, p.Ser1160= (NM_001354901.2); and 5 more.
Identifiers: ClinVar variation 1563230 (VCV001563230.10), dbSNP rs1001469995, ClinGen allele CA125167774.